The following is an entry in ClinVar:

ClinVar aggregate classification (germline): Likely benign. Review status: criteria provided, multiple submitters, no conflicts (2 of 4 stars). 3 submissions from 3 submitters: Likely benign (3). Last evaluated 2025-01-17.

Conditions:
Wilms tumor 1 (WT1). Also called: Wilms tumor, somatic. Identifiers: Orphanet 654, MedGen CN033288, MONDO:0008679, OMIM 194070.
Drash syndrome (DDS). Also called: NEPHROPATHY, WILMS TUMOR, AND GENITAL ANOMALIES; WILMS TUMOR AND PSEUDO- OR TRUE HERMAPHRODITISM. Identifiers: Orphanet 220, MedGen C0950121, MONDO:0008682, OMIM 194080.
11p partial monosomy syndrome (WAGR). Also called: WAGR Spectrum Disorder; CHROMOSOME 11p13 DELETION SYNDROME; WAGR syndrome; WAGR Complex. Identifiers: Orphanet 893, MedGen C0206115, MONDO:0008681, OMIM 194072.
Frasier syndrome. Identifiers: Orphanet 347, MedGen C0950122, MeSH D052159, MONDO:0007635, OMIM 136680.
Inborn genetic diseases. Identifiers: MedGen C0950123, MeSH D030342.

Allele frequency attached by ClinVar (database versions not stated): gnomAD exomes below 0.00001.
gnomAD v4.1: 2 of 1,614,204 alleles (0.00012%); highest among the groups gnomAD compares: East Asian, 0.0022%; no homozygotes.

Submissions (3):

Ambry Genetics
Classification: Likely benign for Inborn genetic diseases. Last evaluated: 2025-01-17. Review status: criteria provided, single submitter. Criteria: Ambry Variant Classification Scheme 2023. Collection method: clinical testing. Allele origin: germline.

All of Us Research Program, National Institutes of Health
Classification: Likely benign for Wilms tumor 1. Last evaluated: 2024-07-20. Review status: criteria provided, single submitter. Criteria: ACMG Guidelines, 2015. Collection method: clinical testing. Allele origin: germline. Inheritance: Autosomal dominant inheritance. Observed: 1 variant allele, 1 heterozygote.
Comment: This study involves interpretation of variants in research participants for the purpose of population health screening. Participant phenotype was not available at the time of variant classification. Additional details can be found in publication PMID: 35346344, PMCID: PMC8962531

Labcorp Genetics (formerly Invitae), Labcorp
Classification: Likely benign for Wilms tumor 1; Drash syndrome; 11p partial monosomy syndrome; Frasier syndrome. Last evaluated: 2022-03-09. Review status: criteria provided, single submitter. Criteria: Invitae Variant Classification Sherloc (09022015). Collection method: clinical testing. Allele origin: germline.

NM_024426.6(WT1):c.1479T>C (p.Ser493=)

Gene: WT1 (WT1 transcription factor; minus strand). Cytogenetic location: 11p13.
Variant type: single nucleotide variant.
Coding change: c.1479T>C on transcript NM_024426.6 (MANE Select); coding-DNA position 1479, T replaced by C.
Protein change: p.Ser493=; no amino-acid change (serine 493 retained).
Molecular consequence: synonymous variant. On other transcripts: non-coding transcript variant (2).
Genome position (GRCh38, 1-based): chr11:32,389,148, A>G on the plus strand (T>C on the coding strand, the complement: WT1 is on the minus strand). VCF-style: chr11-32389148-A-G. GRCh37 (hg19) VCF-style: chr11-32410694-A-G.
Other names: c.1419T>C, p.Ser473= (NM_000378.6); c.819T>C, p.Ser273= (NM_001198551.2); c.777T>C, p.Ser259= (NM_001198552.2); c.291T>C, p.Ser97= (NM_001367854.1); c.1464T>C, p.Ser488= (NM_001407044.1); c.1428T>C, p.Ser476= (NM_001407045.1); c.1386T>C, p.Ser462= (NM_001407046.1); c.1347T>C, p.Ser449= (NM_001407047.1); and 6 more.
Identifiers: ClinVar variation 476688 (VCV000476688.14), dbSNP rs1334930117, ClinGen allele CA473564594.